The following is an entry in ClinVar:

ClinVar aggregate classification (germline): Pathogenic (1 of 4 stars; one submission).

Conditions:
Aspartylglucosaminuria (AGU). Also called: AGA DEFICIENCY; GLYCOASPARAGINASE; GLYCOSYLASPARAGINASE DEFICIENCY; Aspartylglucos-aminuria; Aspartylglucos-amidase (AGA) deficiency. Identifiers: Orphanet 93, MedGen C0268225, MONDO:0008830, OMIM 208400, HP:0012068.

Submission:

Labcorp Genetics (formerly Invitae), Labcorp
Classification: Pathogenic for Aspartylglucosaminuria. Last evaluated: 2022-09-10. Review status: criteria provided, single submitter. Criteria: Invitae Variant Classification Sherloc (09022015). Collection method: clinical testing. Allele origin: germline.
Comment: This sequence change creates a premature translational stop signal (p.Thr222Asnfs*6) in the AGA gene. It is expected to result in an absent or disrupted protein product. Loss-of-function variants in AGA are known to be pathogenic (PMID: 7627186, 11309371). This variant is not present in population databases (gnomAD no frequency). This variant has not been reported in the literature in individuals affected with AGA-related conditions. Algorithms developed to predict the effect of sequence changes on RNA splicing suggest that this variant may disrupt the consensus splice site. For these reasons, this variant has been classified as Pathogenic.

Literature cited by the submitters: PubMed 7627186; PubMed 11309371.

NM_000027.4(AGA):c.665del (p.Thr222fs)

Gene: AGA (aspartylglucosaminidase; minus strand). Cytogenetic location: 4q34.3.
Variant type: Deletion.
Coding change: c.665del on transcript NM_000027.4 (MANE Select); coding-DNA position 665, one base deleted (C; older notation c.665delC).
Protein change: p.Thr222fs; shifts the reading frame from threonine 222.
Molecular consequence: frameshift variant.
Genome position (GRCh38, 1-based): chr4:177,436,309, G deleted on the plus strand (C on the coding strand, the reverse complement: AGA is on the minus strand). VCF-style (leftmost placement, unchanged base first): chr4-177436308-TG-T. GRCh37 (hg19) VCF-style: chr4-178357462-TG-T.
Other names: c.665del, p.Thr222fs (NM_001171988.2); short protein forms T222fs.
Identifiers: ClinVar variation 2029864 (VCV002029864.4), dbSNP rs2476858091, ClinGen allele CA2580071677.